The following is an entry in ClinVar:

NM_004970.3(IGFALS):c.871G>T (p.Gly291Cys)

Gene: IGFALS (insulin like growth factor binding protein acid labile subunit; minus strand). Cytogenetic location: 16p13.3.
Variant type: single nucleotide variant.
Coding change: c.871G>T on transcript NM_004970.3 (MANE Select); coding-DNA position 871, G replaced by T.
Protein change: p.Gly291Cys; replaces glycine 291 with cysteine.
Molecular consequence: missense variant. On other transcripts: non-coding transcript variant (1).
Genome position (GRCh38, 1-based): chr16:1,791,547, C>A on the plus strand (G>T on the coding strand, the complement: IGFALS is on the minus strand). VCF-style: chr16-1791547-C-A. GRCh37 (hg19) VCF-style: chr16-1841548-C-A.
Other names: c.985G>T, p.Gly329Cys (NM_001146006.2); short protein forms G291C, G329C.
Identifiers: ClinVar variation 3528101 (VCV003528101.2).

ClinVar aggregate classification (germline): Uncertain significance. Review status: criteria provided, multiple submitters, no conflicts (2 of 4 stars). 2 submissions from 2 submitters: Uncertain significance (2). Last evaluated 2025-03-31.

Conditions:
Inborn genetic diseases. Identifiers: MedGen C0950123, MeSH D030342.

Submissions (2):

GeneDx
Classification: Uncertain significance. Last evaluated: 2025-03-31. Review status: criteria provided, single submitter. Criteria: GeneDx Variant Classification Process June 2021. Collection method: clinical testing. Allele origin: germline. Affected: yes.
Comment: In silico analysis indicates that this missense variant does not alter protein structure/function; Has not been previously published as pathogenic or benign to our knowledge

Ambry Genetics
Classification: Uncertain significance for Inborn genetic diseases. Last evaluated: 2024-07-09. Review status: criteria provided, single submitter. Criteria: Ambry Variant Classification Scheme 2023. Collection method: clinical testing. Allele origin: germline.